The following is an entry in ClinVar:

ClinVar aggregate classification (germline): Uncertain significance (1 of 4 stars; one submission).

Allele frequency attached by ClinVar (database versions not stated): gnomAD exomes 0.00001; ExAC 0.00002.
gnomAD v4.1: 11 of 1,613,170 alleles (0.00068%); highest among the groups gnomAD compares: South Asian, 0.011%; no homozygotes.

Submission:

Labcorp Genetics (formerly Invitae), Labcorp
Classification: Uncertain significance. Last evaluated: 2021-09-17. Review status: criteria provided, single submitter. Criteria: Invitae Variant Classification Sherloc (09022015). Collection method: clinical testing. Allele origin: germline.
Comment: This sequence change replaces lysine with asparagine at codon 335 of the MUT protein (p.Lys335Asn). The lysine residue is moderately conserved and there is a moderate physicochemical difference between lysine and asparagine. This variant is present in population databases (rs763844056, ExAC 0.01%). This variant has not been reported in the literature in individuals with MUT-related conditions. Algorithms developed to predict the effect of missense changes on protein structure and function are either unavailable or do not agree on the potential impact of this missense change (SIFT: "Deleterious"; PolyPhen-2: "Benign"; Align-GVGD: "Class C0"). In summary, the available evidence is currently insufficient to determine the role of this variant in disease. Therefore, it has been classified as a Variant of Uncertain Significance.

NM_000255.4(MMUT):c.1005A>T (p.Lys335Asn)

Gene: MMUT (methylmalonyl-CoA mutase; minus strand). Cytogenetic location: 6p12.3.
Variant type: single nucleotide variant.
Coding change: c.1005A>T on transcript NM_000255.4 (MANE Select); coding-DNA position 1005, A replaced by T.
Protein change: p.Lys335Asn; replaces lysine 335 with asparagine.
Molecular consequence: missense variant.
Genome position (GRCh38, 1-based): chr6:49,453,663, T>A on the plus strand (A>T on the coding strand, the complement: MMUT is on the minus strand). VCF-style: chr6-49453663-T-A. GRCh37 (hg19) VCF-style: chr6-49421376-T-A.
Other names: short protein forms K335N.
Identifiers: ClinVar variation 2186076 (VCV002186076.1), dbSNP rs763844056, ClinGen allele CA3846989.